The following is an entry in ClinVar:

ClinVar aggregate classification (germline): Uncertain significance (1 of 4 stars; one submission).

Allele frequency attached by ClinVar (database versions not stated): TOPMed below 0.00001; ExAC 0.00001.
gnomAD v4.1: 2 of 1,610,276 alleles (0.00012%); highest among the groups gnomAD compares: Non-Finnish European, 0.000085%; no homozygotes.

Submission:

Women's Health and Genetics/Laboratory Corporation of America, LabCorp
Classification: Uncertain significance. Last evaluated: 2024-04-02. Review status: criteria provided, single submitter. Criteria: LabCorp Variant Classification Summary - May 2015. Collection method: clinical testing. Allele origin: germline.
Comment: Variant summary: CFH c.1526G>A (p.Cys509Tyr) results in a non-conservative amino acid change in the encoded protein sequence. Five of five in-silico tools predict a damaging effect of the variant on protein function. However, these predictions have yet to be confirmed by functional studies. The variant allele was found at a frequency of 8e-06 in 250620 control chromosomes (gnomAD). The available data on variant occurrences in the general population are insufficient to allow any conclusion about variant significance. To our knowledge, no occurrence of c.1526G>A in individuals affected with CFH-Related Disorders and no experimental evidence demonstrating its impact on protein function have been reported. No submitters have cited clinical-significance assessments for this variant to ClinVar. Based on the evidence outlined above, the variant was classified as uncertain significance.

NM_000186.4(CFH):c.1526G>A (p.Cys509Tyr)

Gene: CFH (complement factor H; plus strand). Cytogenetic location: 1q31.3.
Variant type: single nucleotide variant.
Coding change: c.1526G>A on transcript NM_000186.4 (MANE Select); coding-DNA position 1526, G replaced by A.
Protein change: p.Cys509Tyr; replaces cysteine 509 with tyrosine.
Molecular consequence: missense variant.
Genome position (GRCh38, 1-based): chr1:196,715,599, G>A. VCF-style: chr1-196715599-G-A. GRCh37 (hg19) VCF-style: chr1-196684729-G-A.
Other names: short protein forms C509Y.
Identifiers: ClinVar variation 3251593 (VCV003251593.1), dbSNP rs767384423.
Genomic context (GRCh38, chr1:196,715,599, plus strand): 5'-AGATTGTTTATTAGATGACATTAGAAATGACATTCTAAATTTTTTATGCACTAGAATCTT[G>A]TGATATCCCAGTATTTATGAATGCCAGAACTAAAAATGACTTCACATGGTTTAAGCTGAA-3'
Protein context (NP_000177.2, residues 499-519): WSAQPTCIKS[Cys509Tyr]DIPVFMNART